The following is an entry in ClinVar:

ClinVar aggregate classification (germline): Uncertain significance (1 of 4 stars; one submission).

Submission:

CeGaT Center for Human Genetics Tuebingen
Classification: Uncertain significance. Last evaluated: 2026-09-01. Review status: criteria provided, single submitter. Criteria: CeGaT Center For Human Genetics Tuebingen Variant Classification Criteria Version 2. Collection method: clinical testing. Allele origin: germline. Affected: yes. Observed: 1 variant allele.
Comment: GRIN2D: PM2, PP2, PP3

NM_000836.4(GRIN2D):c.1097A>C (p.Asn366Thr)

Gene: GRIN2D (glutamate ionotropic receptor NMDA type subunit 2D; plus strand). Cytogenetic location: 19q13.33.
Variant type: single nucleotide variant.
Coding change: c.1097A>C on transcript NM_000836.4 (MANE Select); coding-DNA position 1097, A replaced by C.
Protein change: p.Asn366Thr; replaces asparagine 366 with threonine.
Molecular consequence: missense variant.
Genome position (GRCh38, 1-based): chr19:48,414,002, A>C. VCF-style: chr19-48414002-A-C. GRCh37 (hg19) VCF-style: chr19-48917259-A-C.
Other names: short protein forms N366T.
Identifiers: ClinVar variation 5041726 (VCV005041726.1).